The following is an entry in ClinVar:

NM_000353.3(TAT):c.564G>T (p.Leu188Phe)

Genes: TAT (tyrosine aminotransferase; minus strand), LOC111413029 (BRD4-independent group 4 enhancer GRCh37_chr16:71605697-71606896; plus strand). Cytogenetic location: 16q22.2.
Variant type: single nucleotide variant.
Coding change: c.564G>T on transcript NM_000353.3 (MANE Select); coding-DNA position 564, G replaced by T.
Protein change: p.Leu188Phe; replaces leucine 188 with phenylalanine.
Molecular consequence: missense variant.
Genome position (GRCh38, 1-based): chr16:71,572,533, C>A on the plus strand (G>T on the coding strand, the complement: TAT is on the minus strand). VCF-style: chr16-71572533-C-A. GRCh37 (hg19) VCF-style: chr16-71606436-C-A.
Other names: short protein forms L188F.
Identifiers: ClinVar variation 971172 (VCV000971172.10), dbSNP rs781506099, ClinGen allele CA8153966.
Genomic context (GRCh38, chr16:71,572,533, plus strand): 5'-ATATTTTTTACAGGTTAGTAACTGAGCATTTGAGTCTAAGATTAAAAAGTCATTTACCAA[C>A]AAATTGTAGAGTTTGACCTCAATTCCCATAGACTCAGCCAGAGTCTTGTAGAGAGAGAAA-3'
Protein context (NP_000344.1, residues 178-198): SMGIEVKLYN[Leu188Phe]LPEKSWEIDL

ClinVar aggregate classification (germline): Uncertain significance (1 of 4 stars; one submission).

Conditions:
Tyrosinemia type II (TYRSN2). Also called: KERATOSIS PALMOPLANTARIS WITH CORNEAL DYSTROPHY; OREGON TYPE TYROSINEMIA; TAT DEFICIENCY; TYROSINE AMINOTRANSFERASE DEFICIENCY; TYROSINE TRANSAMINASE DEFICIENCY. Identifiers: Orphanet 28378, MedGen C0268487, MONDO:0010160, OMIM 276600.

Allele frequency attached by ClinVar (database versions not stated): gnomAD exomes 0.00001; ExAC 0.00002.
gnomAD v4.1: 10 of 1,614,186 alleles (0.00062%); highest among the groups gnomAD compares: Non-Finnish European, 0.00085%; no homozygotes.

Submission:

Labcorp Genetics (formerly Invitae), Labcorp
Classification: Uncertain significance for Tyrosinemia type II. Last evaluated: 2019-10-19. Review status: criteria provided, single submitter. Criteria: Invitae Variant Classification Sherloc (09022015). Collection method: clinical testing. Allele origin: germline.
Comment: This variant has not been reported in the literature in individuals with TAT-related conditions. This sequence change replaces leucine with phenylalanine at codon 188 of the TAT protein (p.Leu188Phe). The leucine residue is highly conserved and there is a small physicochemical difference between leucine and phenylalanine. This variant is present in population databases (rs781506099, ExAC 0.003%). Algorithms developed to predict the effect of missense changes on protein structure and function are either unavailable or do not agree on the potential impact of this missense change (SIFT: "Deleterious"; PolyPhen-2: "Probably Damaging"; Align-GVGD: "Class C0"). In summary, the available evidence is currently insufficient to determine the role of this variant in disease. Therefore, it has been classified as a Variant of Uncertain Significance.